The following is an entry in ClinVar:

ClinVar aggregate classification (germline): Uncertain significance (1 of 4 stars; one submission).

Conditions:
Type A2 brachydactyly (BDA2). Also called: BRACHYMESOPHALANGY II; Brachymesophalangy type 2; MOHR-WRIEDT TYPE BRACHYDACTYLY. Identifiers: Orphanet 93396, MedGen C1832702, MONDO:0007216, OMIM 112600, HP:0009372.
Acromesomelic dysplasia 3 (AMD3). Also called: Acromesomelic dysplasia, Demirhan type; CHONDRODYSPLASIA, ACROMESOMELIC, WITH OR WITHOUT GENITAL ANOMALIES. Identifiers: MedGen C4225404, MONDO:0012274, OMIM 609441.

Allele frequency attached by ClinVar (database versions not stated): gnomAD exomes below 0.00001; ExAC 0.00001; gnomAD 0.00001; TOPMed 0.00002; ESP Exome Variant Server 0.00008.
gnomAD v4.1: 3 of 1,613,338 alleles (0.00019%); highest among the groups gnomAD compares: African/African-American, 0.004%; no homozygotes.

Submission:

Labcorp Genetics (formerly Invitae), Labcorp
Classification: Uncertain significance for Type A2 brachydactyly; Acromesomelic dysplasia 3. Last evaluated: 2024-07-21. Review status: criteria provided, single submitter. Criteria: Invitae Variant Classification Sherloc (09022015). Collection method: clinical testing. Allele origin: germline.
Comment: This sequence change replaces threonine, which is neutral and polar, with serine, which is neutral and polar, at codon 168 of the BMPR1B protein (p.Thr168Ser). This variant is present in population databases (rs373998952, gnomAD 0.01%). This variant has not been reported in the literature in individuals affected with BMPR1B-related conditions. Advanced modeling of protein sequence and biophysical properties (such as structural, functional, and spatial information, amino acid conservation, physicochemical variation, residue mobility, and thermodynamic stability) performed at Invitae indicates that this missense variant is not expected to disrupt BMPR1B protein function with a negative predictive value of 80%. In summary, the available evidence is currently insufficient to determine the role of this variant in disease. Therefore, it has been classified as a Variant of Uncertain Significance.

NM_001203.3(BMPR1B):c.503C>G (p.Thr168Ser)

Gene: BMPR1B (bone morphogenetic protein receptor type 1B; plus strand). Cytogenetic location: 4q22.3.
Variant type: single nucleotide variant.
Coding change: c.503C>G on transcript NM_001203.3 (MANE Select); coding-DNA position 503, C replaced by G.
Protein change: p.Thr168Ser; replaces threonine 168 with serine.
Molecular consequence: missense variant.
Genome position (GRCh38, 1-based): chr4:95,125,039, C>G. VCF-style: chr4-95125039-C-G. GRCh37 (hg19) VCF-style: chr4-96046190-C-G.
Other names: c.503C>G, p.Thr168Ser (NM_001256792.2, NM_001256794.1); c.593C>G, p.Thr198Ser (NM_001256793.2); short protein forms T198S, T168S.
Identifiers: ClinVar variation 2924902 (VCV002924902.3), dbSNP rs373998952, ClinGen allele CA3015005.